The following is an entry in ClinVar:

NC_000009.11:g.(?_6558539)_(6645499_?)del

Gene: GLDC (glycine decarboxylase; minus strand). Cytogenetic location: 9p24.1.
Variant type: Deletion.
Identifiers: ClinVar variation 3245142 (VCV003245142.1).

ClinVar aggregate classification (germline): Pathogenic (1 of 4 stars; one submission).

Conditions:
Glycine encephalopathy. Also called: Nonketotic hyperglycinemia; Non-ketotic hyperglycinemia. Identifiers: Orphanet 407, MedGen C0751748, MONDO:0011612, HP:0008288.

Submission:

Labcorp Genetics (formerly Invitae), Labcorp
Classification: Pathogenic for Glycine encephalopathy. Last evaluated: 2024-01-21. Review status: criteria provided, single submitter. Criteria: Invitae Variant Classification Sherloc (09022015). Collection method: clinical testing. Allele origin: unknown.
Comment: This variant is a gross deletion of the genomic region encompassing exon(s) 1-17 of the GLDC gene, which includes the initiator codon. This deletion extends beyond the assayed region for this gene and therefore may encompass additional genes. It is expected to result in an absent or disrupted protein product. Loss-of-function variants in GLDC are known to be pathogenic (PMID: 16601880). A similar copy number variant has been observed in individual(s) with glycine encephalopathy (PMID: 17361008, 26179960). In at least one individual the data is consistent with being in trans (on the opposite chromosome) from a pathogenic variant. For these reasons, this variant has been classified as Pathogenic.

Literature cited by the submitters: PubMed 16601880; PubMed 17361008; PubMed 26179960.